The following is an entry in ClinVar:

ClinVar aggregate classification (germline): Uncertain significance (1 of 4 stars; one submission).

Submission:

Labcorp Genetics (formerly Invitae), Labcorp
Classification: Uncertain significance. Last evaluated: 2023-02-14. Review status: criteria provided, single submitter. Criteria: Invitae Variant Classification Sherloc (09022015). Collection method: clinical testing. Allele origin: germline.
Comment: In summary, the available evidence is currently insufficient to determine the role of this variant in disease. Therefore, it has been classified as a Variant of Uncertain Significance. Algorithms developed to predict the effect of missense changes on protein structure and function are either unavailable or do not agree on the potential impact of this missense change (SIFT: "Deleterious"; PolyPhen-2: "Probably Damaging"; Align-GVGD: "Class C0"). This variant has not been reported in the literature in individuals affected with FBXO11-related conditions. This variant is not present in population databases (gnomAD no frequency). This sequence change replaces proline, which is neutral and non-polar, with threonine, which is neutral and polar, at codon 720 of the FBXO11 protein (p.Pro720Thr).

NM_001190274.2(FBXO11):c.2158C>A (p.Pro720Thr)

Gene: FBXO11 (F-box protein 11; minus strand). Cytogenetic location: 2p16.3.
Variant type: single nucleotide variant.
Coding change: c.2158C>A on transcript NM_001190274.2 (MANE Select); coding-DNA position 2158, C replaced by A.
Protein change: p.Pro720Thr; replaces proline 720 with threonine.
Molecular consequence: missense variant.
Genome position (GRCh38, 1-based): chr2:47,813,303, G>T on the plus strand (C>A on the coding strand, the complement: FBXO11 is on the minus strand). VCF-style: chr2-47813303-G-T. GRCh37 (hg19) VCF-style: chr2-48040442-G-T.
Other names: c.1906C>A, p.Pro636Thr (NM_001374325.1, NM_025133.4); short protein forms P636T, P720T.
Identifiers: ClinVar variation 2837147 (VCV002837147.3), dbSNP rs2531003157, ClinGen allele CA346763308.
Genomic context (GRCh38, chr2:47,813,303, plus strand): 5'-CATTAAATATACAGATGCCACCATCTCTTCCATCATGGATTTTATTTCTTCTTAGTGTAG[G>T]ATTACTATCTGTCTTAATCCAGACTCCAGCCATTGCATTGTCAAATATTTCATTGTCTTC-3'
Protein context (NP_001177203.1, residues 710-730): AGVWIKTDSN[Pro720Thr]TLRRNKIHDG